The following is an entry in ClinVar:

ClinVar aggregate classification (germline): Uncertain significance (1 of 4 stars; one submission).

Conditions:
ABCC8-related disorder.

Submission:

PreventionGenetics, part of Exact Sciences
Classification: Uncertain significance for ABCC8-related condition. Last evaluated: 2023-02-12. Review status: criteria provided, single submitter. Criteria: ACMG Guidelines, 2015. Collection method: clinical testing. Allele origin: germline.
Comment: The ABCC8 c.3622G>A variant is predicted to result in the amino acid substitution p.Glu1208Lys. This variant has been documented in the heterozygous state in a patient with hyperinsulinism (reported as p.Glu1209Lys in De Franco et al. 2020. PubMed ID: 32027066). This variant has not been reported in a large population database, indicating this variant is rare. At this time, the clinical significance of this variant is uncertain due to the absence of conclusive functional and genetic evidence.

NM_000352.6(ABCC8):c.3622G>A (p.Glu1208Lys)

Gene: ABCC8 (ATP binding cassette subfamily C member 8; minus strand). Cytogenetic location: 11p15.1.
Variant type: single nucleotide variant.
Coding change: c.3622G>A on transcript NM_000352.6 (MANE Select); coding-DNA position 3622, G replaced by A.
Protein change: p.Glu1208Lys; replaces glutamic acid 1208 with lysine.
Molecular consequence: missense variant. On other transcripts: non-coding transcript variant (1).
Genome position (GRCh38, 1-based): chr11:17,402,689, C>T on the plus strand (G>A on the coding strand, the complement: ABCC8 is on the minus strand). VCF-style: chr11-17402689-C-T. GRCh37 (hg19) VCF-style: chr11-17424236-C-T.
Other names: c.3625G>A, p.Glu1209Lys (NM_001287174.3); c.3688G>A, p.Glu1230Lys (NM_001351295.2); c.3622G>A, p.Glu1208Lys (NM_001351296.2); c.3619G>A, p.Glu1207Lys (NM_001351297.2); short protein forms E1207K, E1208K, E1209K, E1230K.
Identifiers: ClinVar variation 2630579 (VCV002630579.1), dbSNP rs2496501702, ClinGen allele CA379796513.